The following is an entry in ClinVar:

ClinVar aggregate classification (germline): Pathogenic (1 of 4 stars; one submission).

Submission:

GeneDx
Classification: Pathogenic. Last evaluated: 2018-02-13. Review status: criteria provided, single submitter. Criteria: GeneDx Variant Classification (06012015). Collection method: clinical testing. Allele origin: germline. Affected: yes.
Comment: The c.692_696dupCCATT variant in the AR gene has not been reported previously as a pathogenic variant nor as a benign variant, to our knowledge. The c.692_696dupCCATT variant causes a frameshift starting with codon Serine 233, changes this amino acid to a Proline residue, and creates a premature Stop codon at position 27 of the new reading frame, denoted p.Ser233ProfsX27. This variant is predicted to cause loss of normal protein function either through protein truncation or nonsense-mediated mRNA decay. The c.692_696dupCCATT variant is not observed in large population cohorts (Lek et al., 2016). We interpret c.692_696dupCCATT as a pathogenic variant,

NM_000044.6(AR):c.692_696dup (p.Ser233fs)

Gene: AR (androgen receptor; plus strand). Cytogenetic location: Xq12.
Variant type: Duplication.
Coding change: c.692_696dup on transcript NM_000044.6 (MANE Select); coding-DNA positions 692 to 696, 5 bases duplicated (CCATT; older notation c.692_696dupCCATT).
Protein change: p.Ser233fs; shifts the reading frame from serine 233.
Molecular consequence: frameshift variant. On other transcripts: 5 prime UTR variant (1).
Genome position (GRCh38, 1-based): chrX:67,545,838-67,545,842, CCATT duplicated. VCF-style (leftmost placement, unchanged base first): chrX-67545837-A-ACCATT. GRCh37 (hg19) VCF-style: chrX-66765679-A-ACCATT.
Other names: c.-1092_-1088dup (NM_001011645.3); c.692_696dup, p.Ser233fs (NM_001348061.1, NM_001348063.1, NM_001348064.1); short protein forms S233fs.
Identifiers: ClinVar variation 504300 (VCV000504300.2), dbSNP rs1555969670, ClinGen allele CA658799774.